The following is an entry in ClinVar:

NM_022051.3(EGLN1):c.196G>C (p.Gly66Arg)

Gene: EGLN1 (egl-9 family hypoxia inducible factor 1; minus strand). Cytogenetic location: 1q42.2.
Variant type: single nucleotide variant.
Coding change: c.196G>C on transcript NM_022051.3 (MANE Select); coding-DNA position 196, G replaced by C.
Protein change: p.Gly66Arg; replaces glycine 66 with arginine.
Molecular consequence: missense variant.
Genome position (GRCh38, 1-based): chr1:231,421,693, C>G on the plus strand (G>C on the coding strand, the complement: EGLN1 is on the minus strand). VCF-style: chr1-231421693-C-G. GRCh37 (hg19) VCF-style: chr1-231557439-C-G.
Other names: c.196G>C, p.Gly66Arg (NM_001377260.1, NM_001377261.1); short protein forms G66R.
Identifiers: ClinVar variation 1783591 (VCV001783591.3), dbSNP rs2527361370, ClinGen allele CA345238666.

ClinVar aggregate classification (germline): Uncertain significance (1 of 4 stars; one submission).

gnomAD v4.1: 6 of 1,511,170 alleles (0.0004%); highest among the groups gnomAD compares: Non-Finnish European, 0.00053%; no homozygotes.

Submission:

Ambry Genetics
Classification: Uncertain significance. Last evaluated: 2025-01-03. Review status: criteria provided, single submitter. Criteria: Ambry Variant Classification Scheme 2023. Collection method: clinical testing. Allele origin: germline.
Comment: The p.G66R variant (also known as c.196G>C), located in coding exon 1 of the EGLN1 gene, results from a G to C substitution at nucleotide position 196. The glycine at codon 66 is replaced by arginine, an amino acid with dissimilar properties. This amino acid position is conserved. In addition, this alteration is predicted to be tolerated by in silico analysis. Since supporting evidence is limited at this time, the clinical significance of this alteration remains unclear.